The following is an entry in ClinVar:

ClinVar aggregate classification (germline): Uncertain significance (1 of 4 stars; one submission).

Allele frequency attached by ClinVar (database versions not stated): TOPMed 0.00002; gnomAD 0.00003; ExAC 0.00006.
gnomAD v4.1: 53 of 1,614,096 alleles (0.0033%); highest among the groups gnomAD compares: South Asian, 0.027%; no homozygotes.

Submission:

Labcorp Genetics (formerly Invitae), Labcorp
Classification: Uncertain significance. Last evaluated: 2022-07-26. Review status: criteria provided, single submitter. Criteria: Invitae Variant Classification Sherloc (09022015). Collection method: clinical testing. Allele origin: germline.
Comment: In summary, the available evidence is currently insufficient to determine the role of this variant in disease. Therefore, it has been classified as a Variant of Uncertain Significance. Algorithms developed to predict the effect of missense changes on protein structure and function are either unavailable or do not agree on the potential impact of this missense change (SIFT: "Deleterious"; PolyPhen-2: "Possibly Damaging"; Align-GVGD: "Class C0"). ClinVar contains an entry for this variant (Variation ID: 1509150). This variant has not been reported in the literature in individuals affected with PRPF6-related conditions. This variant is present in population databases (rs757991297, gnomAD 0.04%), and has an allele count higher than expected for a pathogenic variant. This sequence change replaces threonine, which is neutral and polar, with methionine, which is neutral and non-polar, at codon 469 of the PRPF6 protein (p.Thr469Met).

NM_012469.4(PRPF6):c.1406C>T (p.Thr469Met)

Gene: PRPF6 (pre-mRNA processing factor 6; plus strand). Cytogenetic location: 20q13.33.
Variant type: single nucleotide variant.
Coding change: c.1406C>T on transcript NM_012469.4 (MANE Select); coding-DNA position 1406, C replaced by T.
Protein change: p.Thr469Met; replaces threonine 469 with methionine.
Molecular consequence: missense variant.
Genome position (GRCh38, 1-based): chr20:64,011,385, C>T. VCF-style: chr20-64011385-C-T. GRCh37 (hg19) VCF-style: chr20-62642738-C-T.
Other names: short protein forms T469M.
Identifiers: ClinVar variation 1509150 (VCV001509150.6), dbSNP rs757991297, ClinGen allele CA9972181.
Genomic context (GRCh38, chr20:64,011,385, plus strand): 5'-CCCGCAAGGTCTTGAACAAGGCGCGGGAGAACATTCCTACAGACCGACATATCTGGATCA[C>T]GGCTGCTAAGCTGGAGGAAGCCAATGGGAACACGCAGATGGTGGAGAAGATCATCGACCG-3'
Protein context (NP_036601.2, residues 459-479): NIPTDRHIWI[Thr469Met]AAKLEEANGN